The following is an entry in ClinVar:

NM_004336.5(BUB1):c.1723T>G (p.Phe575Val)

Gene: BUB1 (BUB1 mitotic checkpoint serine/threonine kinase; minus strand). Cytogenetic location: 2q13.
Variant type: single nucleotide variant.
Coding change: c.1723T>G on transcript NM_004336.5 (MANE Select); coding-DNA position 1723, T replaced by G.
Protein change: p.Phe575Val; replaces phenylalanine 575 with valine.
Molecular consequence: missense variant.
Genome position (GRCh38, 1-based): chr2:110,655,892, A>C on the plus strand (T>G on the coding strand, the complement: BUB1 is on the minus strand). VCF-style: chr2-110655892-A-C. GRCh37 (hg19) VCF-style: chr2-111413469-A-C.
Other names: c.1663T>G, p.Phe555Val (NM_001278616.2); c.1723T>G, p.Phe575Val (NM_001278617.2); short protein forms F555V, F575V.
Identifiers: ClinVar variation 1778820 (VCV001778820.3), dbSNP rs748461500, ClinGen allele CA1827988.

ClinVar aggregate classification (germline): Uncertain significance (1 of 4 stars; one submission).

Allele frequency attached by ClinVar (database versions not stated): ExAC 0.00001.
gnomAD v4.1: 13 of 1,613,196 alleles (0.00081%); highest among the groups gnomAD compares: Middle Eastern, 0.18%; no homozygotes.

Submission:

Ambry Genetics
Classification: Uncertain significance. Last evaluated: 2024-09-18. Review status: criteria provided, single submitter. Criteria: Ambry Variant Classification Scheme 2023. Collection method: clinical testing. Allele origin: germline.
Comment: The p.F575V variant (also known as c.1723T>G), located in coding exon 16 of the BUB1 gene, results from a T to G substitution at nucleotide position 1723. The phenylalanine at codon 575 is replaced by valine, an amino acid with highly similar properties. This amino acid position is conserved. In addition, this alteration is predicted to be tolerated by in silico analysis. Since supporting evidence is limited at this time, the clinical significance of this alteration remains unclear.